The following is an entry in ClinVar:

NM_201384.3(PLEC):c.11587C>T (p.Arg3863Trp)

Gene: PLEC (plectin; minus strand). Cytogenetic location: 8q24.3.
Variant type: single nucleotide variant.
Coding change: c.11587C>T on transcript NM_201384.3 (MANE Select); coding-DNA position 11587, C replaced by T.
Protein change: p.Arg3863Trp; replaces arginine 3863 with tryptophan.
Molecular consequence: missense variant.
Genome position (GRCh38, 1-based): chr8:143,918,234, G>A on the plus strand (C>T on the coding strand, the complement: PLEC is on the minus strand). VCF-style: chr8-143918234-G-A. GRCh37 (hg19) VCF-style: chr8-144992402-G-A.
Other names: c.11668C>T, p.Arg3890Trp (NM_000445.5); c.11545C>T, p.Arg3849Trp (NM_201378.4); c.11521C>T, p.Arg3841Trp (NM_201379.3); c.11998C>T, p.Arg4000Trp (NM_201380.4); c.11491C>T, p.Arg3831Trp (NM_201381.3); c.11587C>T, p.Arg3863Trp (NM_201382.4); c.11599C>T, p.Arg3867Trp (NM_201383.3); short protein forms R4000W, R3841W, R3849W, R3831W, R3863W, R3867W, R3890W.
Identifiers: ClinVar variation 538972 (VCV000538972.43), dbSNP rs2857818, ClinGen allele CA4924306.

ClinVar aggregate classification (germline): Uncertain significance. Review status: criteria provided, multiple submitters, no conflicts (2 of 4 stars). 4 submissions from 4 submitters: Uncertain significance (4). Last evaluated 2025-08-24.

Conditions:
Epidermolysis bullosa simplex 5B, with muscular dystrophy (EBS5B). Also called: EPIDERMOLYSIS BULLOSA SIMPLEX AND LIMB-GIRDLE MUSCULAR DYSTROPHY; Epidermolysis bullosa simplex with muscular dystrophy. Identifiers: Orphanet 257, MedGen C2931072, MONDO:0009181, OMIM 226670.
Epidermolysis bullosa simplex, Ogna type (EBS5A). Also called: Pidermolysis bullosa simplex 5A, Ogna type; EPIDERMOLYSIS BULLOSA SIMPLEX 5A, OGNA TYPE. Identifiers: Orphanet 79401, MedGen C0432317, MONDO:0007555, OMIM 131950.
Epidermolysis bullosa simplex 5C, with pyloric atresia (EBS5C). Also called: PLEC1-Related Epidermolysis Bullosa with Pyloric Atresia; PLEC-Related Epidermolysis Bullosa with Pyloric Atresia; Epidermolysis bullosa simplex with pyloric atresia. Identifiers: Orphanet 158684, MedGen C2677349, MONDO:0012807, OMIM 612138.
Epidermolysis bullosa simplex with nail dystrophy (EBS5D). Identifiers: MedGen C4225309, MONDO:0014661, OMIM 616487.
Autosomal recessive limb-girdle muscular dystrophy type 2Q (LGMDR17). Also called: MUSCULAR DYSTROPHY, LIMB-GIRDLE, AUTOSOMAL RECESSIVE 17. Identifiers: Orphanet 254361, MedGen C3150989, MONDO:0013390, OMIM 613723.
Inborn genetic diseases. Identifiers: MedGen C0950123, MeSH D030342.

Allele frequency attached by ClinVar (database versions not stated): gnomAD exomes 0.00007 and 0.00013; gnomAD 0.00011; ExAC 0.00012; TOPMed 0.00014; 1000 Genomes Project 0.00020; 1000 Genomes Project 30x 0.00047.

Submissions (4):

Ambry Genetics
Classification: Uncertain significance for Inborn genetic diseases. Last evaluated: 2025-08-24. Review status: criteria provided, single submitter. Criteria: Ambry Variant Classification Scheme 2023. Collection method: clinical testing. Allele origin: germline.

Labcorp Genetics (formerly Invitae), Labcorp
Classification: Uncertain significance for Autosomal recessive limb-girdle muscular dystrophy type 2Q; Epidermolysis bullosa simplex, Ogna type; Epidermolysis bullosa simplex with nail dystrophy; Epidermolysis bullosa simplex 5C, with pyloric atresia; Epidermolysis bullosa simplex 5B, with muscular dystrophy. Last evaluated: 2024-09-17. Review status: criteria provided, single submitter. Criteria: Invitae Variant Classification Sherloc (09022015). Collection method: clinical testing. Allele origin: germline.
Comment: This sequence change replaces arginine, which is basic and polar, with tryptophan, which is neutral and slightly polar, at codon 3890 of the PLEC protein (p.Arg3890Trp). This variant is present in population databases (rs2857818, gnomAD 0.1%). This variant has not been reported in the literature in individuals affected with PLEC-related conditions. ClinVar contains an entry for this variant (Variation ID: 538972). An algorithm developed to predict the effect of missense changes on protein structure and function (PolyPhen-2) suggests that this variant is likely to be disruptive. In summary, the available evidence is currently insufficient to determine the role of this variant in disease. Therefore, it has been classified as a Variant of Uncertain Significance.

CeGaT Center for Human Genetics Tuebingen
Classification: Uncertain significance. Last evaluated: 2022-07-01. Review status: criteria provided, single submitter. Criteria: CeGaT Center For Human Genetics Tuebingen Variant Classification Criteria Version 2. Collection method: clinical testing. Allele origin: germline. Affected: yes. Observed: 1 variant allele.
Comment: PLEC: PM2:Supporting

GeneDx
Classification: Uncertain significance. Last evaluated: 2022-05-20. Review status: criteria provided, single submitter. Criteria: GeneDx Variant Classification Process June 2021. Collection method: clinical testing. Allele origin: germline. Affected: yes.
Comment: Has not been previously published as pathogenic or benign to our knowledge; In silico analysis supports that this missense variant has a deleterious effect on protein structure/function